The following is an entry in ClinVar:

NM_001136472.2(LITAF):c.407T>C (p.Phe136Ser)

Gene: LITAF (lipopolysaccharide induced TNF factor; minus strand). Cytogenetic location: 16p13.13.
Variant type: single nucleotide variant.
Coding change: c.407T>C on transcript NM_001136472.2 (MANE Select); coding-DNA position 407, T replaced by C.
Protein change: p.Phe136Ser; replaces phenylalanine 136 with serine.
Molecular consequence: missense variant. On other transcripts: 3 prime UTR variant (1), non-coding transcript variant (1).
Genome position (GRCh38, 1-based): chr16:11,549,716, A>G on the plus strand (T>C on the coding strand, the complement: LITAF is on the minus strand). VCF-style: chr16-11549716-A-G. GRCh37 (hg19) VCF-style: chr16-11643572-A-G.
Other names: c.*46T>C (NM_001136473.1); c.407T>C, p.Phe136Ser (NM_004862.4); short protein forms F136S.
Identifiers: ClinVar variation 1487692 (VCV001487692.8), dbSNP rs2141682435, ClinGen allele CA394763549.
Genomic context (GRCh38, chr16:11,549,716, plus strand): 5'-CCCAGGAGAGCTCTGCAGTTGGGACAGTAATGGTCCACGTCCTGCAGGGCATCCACGCAG[A>G]AGGGGATGAAGCAGCAGCCCGCTATGCACCTGGGAGGAGAGAGAGACACACGGAGCGCGT-3'
Protein context (NP_001129944.1, residues 126-146): GCIAGCCFIP[Phe136Ser]CVDALQDVDH

ClinVar aggregate classification (germline): Uncertain significance (1 of 4 stars; one submission).

Conditions:
Charcot-Marie-Tooth disease type 1C. Also called: CHARCOT-MARIE-TOOTH NEUROPATHY, TYPE 1C; NEUROPATHY, HEREDITARY MOTOR AND SENSORY, TYPE IC; Charcot-Marie-Tooth disease, type IC; HMSN IC; CHARCOT-MARIE-TOOTH DISEASE, DEMYELINATING, TYPE 1C; CMT, SLOW NERVE CONDUCTION TYPE C. Identifiers: Orphanet 101083, MedGen C0270913, MONDO:0010995, OMIM 601098.

Submission:

Labcorp Genetics (formerly Invitae), Labcorp
Classification: Uncertain significance for Charcot-Marie-Tooth disease type 1C. Last evaluated: 2024-10-09. Review status: criteria provided, single submitter. Criteria: Invitae Variant Classification Sherloc (09022015). Collection method: clinical testing. Allele origin: germline.
Comment: This sequence change replaces phenylalanine, which is neutral and non-polar, with serine, which is neutral and polar, at codon 136 of the LITAF protein (p.Phe136Ser). This variant is not present in population databases (gnomAD no frequency). This variant has not been reported in the literature in individuals affected with LITAF-related conditions. ClinVar contains an entry for this variant (Variation ID: 1487692). An algorithm developed to predict the effect of missense changes on protein structure and function (PolyPhen-2) suggests that this variant is likely to be disruptive. In summary, the available evidence is currently insufficient to determine the role of this variant in disease. Therefore, it has been classified as a Variant of Uncertain Significance.